The following is an entry in ClinVar:

ClinVar aggregate classification (germline): Likely pathogenic (1 of 4 stars; one submission).

Conditions:
Ehlers-Danlos syndrome, dermatosparaxis type. Also called: Ehlers-Danlos syndrome, type VII, autosomal recessive; EDS VIIC; Dermatosparaxis. Identifiers: Orphanet 1901, MedGen C2700425, MONDO:0009161, OMIM 225410.

Submission:

Natera, Inc.
Classification: Likely pathogenic for Ehlers-Danlos syndrome type VIIC. Last evaluated: 2025-08-12. Review status: criteria provided, single submitter. Criteria: Natera Variant Classification Schema (03/2026). Collection method: clinical testing. Allele origin: germline.
Comment: The c.1425G>A variant in ADAMTS2 is a nonsense variant predicted to introduce a stop codon at amino acid 475. This variant is expected to result in nonsense mediated decay, truncation, or a dysfunctional protein product. This variant is rare in the general population with a frequency below the threshold expected for the associated phenotype(s). Given the available evidence, this variant is classified as Likely Pathogenic.

NM_014244.5(ADAMTS2):c.1425G>A (p.Trp475Ter)

Gene: ADAMTS2 (ADAM metallopeptidase with thrombospondin type 1 motif 2; minus strand). Cytogenetic location: 5q35.3.
Variant type: single nucleotide variant.
Coding change: c.1425G>A on transcript NM_014244.5 (MANE Select); coding-DNA position 1425, G replaced by A.
Protein change: p.Trp475Ter; replaces tryptophan 475 with a stop codon.
Molecular consequence: nonsense.
Genome position (GRCh38, 1-based): chr5:179,153,581, C>T on the plus strand (G>A on the coding strand, the complement: ADAMTS2 is on the minus strand). VCF-style: chr5-179153581-C-T. GRCh37 (hg19) VCF-style: chr5-178580582-C-T.
Other names: c.1425G>A, p.Trp475Ter (NM_021599.4); short protein forms W475*.
Identifiers: ClinVar variation 4815612 (VCV004815612.1).